The following is an entry in ClinVar:

NM_000179.3(MSH6):c.135C>T (p.Gly45=)

Gene: MSH6 (mutS homolog 6; plus strand). Cytogenetic location: 2p16.3.
Variant type: single nucleotide variant.
Coding change: c.135C>T on transcript NM_000179.3 (MANE Select); coding-DNA position 135, C replaced by T.
Protein change: p.Gly45=; no amino-acid change (glycine 45 retained).
Molecular consequence: synonymous variant. On other transcripts: 5 prime UTR variant (1).
Genome position (GRCh38, 1-based): chr2:47,783,368, C>T. VCF-style: chr2-47783368-C-T. GRCh37 (hg19) VCF-style: chr2-48010507-C-T.
Other names: c.135C>T, p.Gly45= (NM_001281492.2); c.-602C>T (NM_001281493.2).
Identifiers: ClinVar variation 479862 (VCV000479862.14), dbSNP rs876659020, ClinGen allele CA346734903.

ClinVar aggregate classification (germline): Conflicting classifications of pathogenicity. Review status: criteria provided, conflicting classifications (1 of 4 stars). 4 submissions from 4 submitters: Uncertain significance (1); Likely benign (3). Last evaluated 2025-08-18.

Conditions:
Hereditary nonpolyposis colorectal neoplasms. Identifiers: MedGen C0009405, MeSH D003123.
Hereditary cancer-predisposing syndrome. Also called: Hereditary Cancer Syndrome; Neoplastic Syndromes, Hereditary; Tumor predisposition; Hereditary neoplastic syndrome. Identifiers: Orphanet 140162, MedGen C0027672, MeSH D009386, MONDO:0015356.

gnomAD v4.1: 1 of 1,602,032 alleles (0.000062%); highest among the groups gnomAD compares: Non-Finnish European, 0.000085%; no homozygotes.

Submissions (4):

Labcorp Genetics (formerly Invitae), Labcorp
Classification: Likely benign for Hereditary nonpolyposis colorectal neoplasms. Last evaluated: 2025-08-18. Review status: criteria provided, single submitter. Criteria: Invitae Variant Classification Sherloc (09022015). Collection method: clinical testing. Allele origin: germline.

Color Diagnostics, LLC DBA Color Health
Classification: Likely benign for Hereditary cancer-predisposing syndrome. Last evaluated: 2023-12-04. Review status: criteria provided, single submitter. Criteria: ACMG Guidelines, 2015. Collection method: clinical testing. Allele origin: germline.

Ambry Genetics
Classification: Likely benign for Hereditary cancer-predisposing syndrome. Last evaluated: 2023-10-23. Review status: criteria provided, single submitter. Criteria: Ambry Variant Classification Scheme 2023. Collection method: clinical testing. Allele origin: germline.

Quest Diagnostics Nichols Institute San Juan Capistrano
Classification: Uncertain significance. Last evaluated: 2022-12-12. Review status: criteria provided, single submitter. Criteria: Quest Diagnostics criteria. Collection method: clinical testing. Allele origin: unknown.
Comment: The variant has not been reported in the published literature. It also has not been reported in large, multi-ethnic general populations. Analysis of this variant using software algorithms for the prediction of the effect of nucleotide changes on MSH6 mRNA splicing yielded predictions that this variant may result in the gain of a cryptic splice site without affecting the natural splice sites . Based on the available information, we are unable to determine the clinical significance of this variant.

Literature cited by the submitters: PubMed 31332305 (cited by Ambry Genetics and Quest Diagnostics Nichols Institute San Juan Capistrano).